The following is an entry in ClinVar:

NM_016239.4(MYO15A):c.4969dup (p.Ile1657fs)

Gene: MYO15A (myosin XVA; plus strand). Cytogenetic location: 17p11.2.
Variant type: Duplication.
Coding change: c.4969dup on transcript NM_016239.4 (MANE Select); coding-DNA position 4969, one base duplicated (A; older notation c.4969dupA).
Protein change: p.Ile1657fs; shifts the reading frame from isoleucine 1657.
Molecular consequence: frameshift variant.
Genome position (GRCh38, 1-based): chr17:18,138,208, A duplicated. VCF-style (leftmost placement, unchanged base first): chr17-18138207-C-CA. GRCh37 (hg19) VCF-style: chr17-18041521-C-CA.
Other names: short protein forms I1657fs.
Identifiers: ClinVar variation 3601351 (VCV003601351.1).

ClinVar aggregate classification (germline): Likely pathogenic (1 of 4 stars; one submission).

Conditions:
Autosomal recessive nonsyndromic hearing loss 3. Also called: NEUROSENSORY NONSYNDROMIC RECESSIVE DEAFNESS 3. Identifiers: Orphanet 90636, MedGen C1838263, MONDO:0010860, OMIM 600316.

Submission:

Institute of Rare Diseases, West China Hospital, Sichuan University
Classification: Likely pathogenic for Autosomal recessive nonsyndromic hearing loss 3. Last evaluated: 2025-01-09. Review status: criteria provided, single submitter. Criteria: ClinGen HL ACMG Specifications v1. Collection method: research. Allele origin: germline. Affected: yes.
Comment: PVS1;PM2_Supporting